The following is an entry in ClinVar:

NM_001625.4(AK2):c.322G>A (p.Ala108Thr)

Gene: AK2 (adenylate kinase 2; minus strand). Cytogenetic location: 1p35.1.
Variant type: single nucleotide variant.
Coding change: c.322G>A on transcript NM_001625.4 (MANE Select); coding-DNA position 322, G replaced by A.
Protein change: p.Ala108Thr; replaces alanine 108 with threonine.
Molecular consequence: missense variant. On other transcripts: non-coding transcript variant (1).
Genome position (GRCh38, 1-based): chr1:33,021,601, C>T on the plus strand (G>A on the coding strand, the complement: AK2 is on the minus strand). VCF-style: chr1-33021601-C-T. GRCh37 (hg19) VCF-style: chr1-33487202-C-T.
Other names: c.322G>A, p.Ala108Thr (NM_001199199.3, NM_001319141.3, NM_001319143.2 and 1 more transcripts); c.178G>A, p.Ala60Thr (NM_001319139.3, NM_001319140.2); c.196G>A, p.Ala66Thr (NM_001319142.3); short protein forms A108T, A60T, A66T.
Identifiers: ClinVar variation 1016651 (VCV001016651.8), dbSNP rs1639560113, ClinGen allele CA339702219.

ClinVar aggregate classification (germline): Uncertain significance (1 of 4 stars; one submission).

Conditions:
Reticular dysgenesis. Also called: ALEUKOCYTOSIS; CONGENITAL ALEUKIA; HEMATOPOIETIC HYPOPLASIA, GENERALIZED; RETICULAR DYSGENESIA; SEVERE COMBINED IMMUNODEFICIENCY WITH LEUKOPENIA; DeVaal disease. Identifiers: Orphanet 33355, MedGen C0272167, MONDO:0009973, OMIM 267500.

Submission:

Labcorp Genetics (formerly Invitae), Labcorp
Classification: Uncertain significance for Reticular dysgenesis. Last evaluated: 2020-03-03. Review status: criteria provided, single submitter. Criteria: Invitae Variant Classification Sherloc (09022015). Collection method: clinical testing. Allele origin: germline.
Comment: This sequence change replaces alanine with threonine at codon 108 of the AK2 protein (p.Ala108Thr). The alanine residue is highly conserved and there is a small physicochemical difference between alanine and threonine. This variant is not present in population databases (ExAC no frequency). This variant has not been reported in the literature in individuals with AK2-related conditions. Algorithms developed to predict the effect of missense changes on protein structure and function (SIFT, PolyPhen-2, Align-GVGD) all suggest that this variant is likely to be disruptive, but these predictions have not been confirmed by published functional studies and their clinical significance is uncertain. In summary, the available evidence is currently insufficient to determine the role of this variant in disease. Therefore, it has been classified as a Variant of Uncertain Significance.